The following is an entry in ClinVar:

NM_017780.4(CHD7):c.8240A>G (p.Asn2747Ser)

Gene: CHD7 (chromodomain helicase DNA binding protein 7; plus strand). Cytogenetic location: 8q12.2.
Variant type: single nucleotide variant.
Coding change: c.8240A>G on transcript NM_017780.4 (MANE Select); coding-DNA position 8240, A replaced by G.
Protein change: p.Asn2747Ser; replaces asparagine 2747 with serine.
Molecular consequence: missense variant.
Genome position (GRCh38, 1-based): chr8:60,865,179, A>G. VCF-style: chr8-60865179-A-G. GRCh37 (hg19) VCF-style: chr8-61777738-A-G.
Other names: c.2093A>G, p.Asn698Ser (NM_001316690.1); short protein forms N698S, N2747S.
Identifiers: ClinVar variation 644287 (VCV000644287.10), dbSNP rs1586467380, ClinGen allele CA371307880.
Genomic context (GRCh38, chr8:60,865,179, plus strand): 5'-GAGCAGCCGCGGCCGCCGCTGCTGTGGCCTCCACGTCAGGGATCAACCCTTTGCTGGTGA[A>G]CAGCCTGTTTGCTGGAATGGACCTGACGAGCCTTCAGAATCTCCAGAATCTCCAGTCGCT-3'
Protein context (NP_060250.2, residues 2737-2757): STSGINPLLV[Asn2747Ser]SLFAGMDLTS

ClinVar aggregate classification (germline): Uncertain significance (1 of 4 stars; one submission).

Conditions:
CHARGE syndrome (CHARGE). Also called: Coloboma, heart anomaly, choanal atresia, retardation, genital and ear anomalies; CHARGE association; Hall-Hittner syndrome; Hittner Hirsch Kreh syndrome; CHARGE ASSOCIATION--COLOBOMA, HEART ANOMALY, CHOANAL ATRESIA, RETARDATION, GENITAL AND EAR ANOMALIES. Identifiers: Orphanet 138, MedGen C0265354, MONDO:0008965.

Allele frequency attached by ClinVar (database versions not stated): TOPMed below 0.00001.

Submission:

Labcorp Genetics (formerly Invitae), Labcorp
Classification: Uncertain significance for CHARGE syndrome. Last evaluated: 2022-02-05. Review status: criteria provided, single submitter. Criteria: Invitae Variant Classification Sherloc (09022015). Collection method: clinical testing. Allele origin: germline.
Comment: This sequence change replaces asparagine, which is neutral and polar, with serine, which is neutral and polar, at codon 2747 of the CHD7 protein (p.Asn2747Ser). This variant has not been reported in the literature in individuals affected with CHD7-related conditions. This variant is not present in population databases (gnomAD no frequency). Advanced modeling of protein sequence and biophysical properties (such as structural, functional, and spatial information, amino acid conservation, physicochemical variation, residue mobility, and thermodynamic stability) performed at Invitae indicates that this missense variant is not expected to disrupt CHD7 protein function. ClinVar contains an entry for this variant (Variation ID: 644287). Algorithms developed to predict the effect of sequence changes on RNA splicing suggest that this variant may create or strengthen a splice site. In summary, the available evidence is currently insufficient to determine the role of this variant in disease. Therefore, it has been classified as a Variant of Uncertain Significance.